The following is an entry in ClinVar:

NM_001037132.4(NRCAM):c.2043C>A (p.Ile681=)

Gene: NRCAM (neuronal cell adhesion molecule; minus strand). Cytogenetic location: 7q31.1.
Variant type: single nucleotide variant.
Coding change: c.2043C>A on transcript NM_001037132.4 (MANE Select); coding-DNA position 2043, C replaced by A.
Protein change: p.Ile681=; no amino-acid change (isoleucine 681 retained).
Molecular consequence: synonymous variant. On other transcripts: non-coding transcript variant (5).
Genome position (GRCh38, 1-based): chr7:108,184,607, G>T on the plus strand (C>A on the coding strand, the complement: NRCAM is on the minus strand). VCF-style: chr7-108184607-G-T. GRCh37 (hg19) VCF-style: chr7-107825051-G-T.
Other names: c.1725C>A, p.Ile575= (NM_001371179.1, NM_001371180.1, NM_001371148.1 and 1 more transcripts); c.1986C>A, p.Ile662= (NM_001371181.1, NM_001371177.1, NM_001193583.2 and 22 more transcripts); c.1938C>A, p.Ile646= (NM_001371182.1); c.1995C>A, p.Ile665= (NM_005010.5, NM_001371178.1, NM_001371130.1 and 8 more transcripts); c.2043C>A, p.Ile681= (NM_001193582.2, NM_001371123.1, NM_001371128.1 and 10 more transcripts); c.1698C>A, p.Ile566= (NM_001371125.1, NM_001371142.1, NM_001371143.1 and 2 more transcripts); c.2040C>A, p.Ile680= (NM_001371127.1); c.1992C>A, p.Ile664= (NM_001371134.1); and 3 more.
Identifiers: ClinVar variation 3029360 (VCV003029360.2), dbSNP rs1031328372, ClinGen allele CA164297501.

ClinVar aggregate classification (germline): Likely benign (0 of 4 stars; one submission).

Conditions:
NRCAM-related disorder.

Allele frequency attached by ClinVar (database versions not stated): gnomAD 0.00001.
gnomAD v4.1: 11 of 1,612,106 alleles (0.00068%); highest among the groups gnomAD compares: Non-Finnish European, 0.00093%; no homozygotes.

Submission:

PreventionGenetics, part of Exact Sciences
Classification: Likely benign for NRCAM-related condition. Last evaluated: 2021-05-18. Review status: no assertion criteria provided. Collection method: clinical testing. Allele origin: germline.
Comment: This variant is classified as likely benign based on ACMG/AMP sequence variant interpretation guidelines (Richards et al. 2015 PMID: 25741868, with internal and published modifications).